The following is an entry in ClinVar:

ClinVar aggregate classification (germline): Uncertain significance (1 of 4 stars; one submission).

gnomAD v4.1: 48 of 1,613,994 alleles (0.003%); highest among the groups gnomAD compares: East Asian, 0.0067%; no homozygotes.

Submission:

GeneDx
Classification: Uncertain significance. Last evaluated: 2023-11-30. Review status: criteria provided, single submitter. Criteria: GeneDx Variant Classification Process June 2021. Collection method: clinical testing. Allele origin: germline. Affected: yes.
Comment: Not observed at significant frequency in large population cohorts (gnomAD); In silico analysis supports that this missense variant does not alter protein structure/function; Has not been previously published as pathogenic or benign to our knowledge

NM_001365999.1(SZT2):c.4648G>A (p.Asp1550Asn)

Gene: SZT2 (SZT2 subunit of KICSTOR complex; plus strand). Cytogenetic location: 1p34.2.
Variant type: single nucleotide variant.
Coding change: c.4648G>A on transcript NM_001365999.1 (MANE Select); coding-DNA position 4648, G replaced by A.
Protein change: p.Asp1550Asn; replaces aspartic acid 1550 with asparagine.
Molecular consequence: missense variant.
Genome position (GRCh38, 1-based): chr1:43,430,663, G>A. VCF-style: chr1-43430663-G-A. GRCh37 (hg19) VCF-style: chr1-43896334-G-A.
Other names: c.4477G>A, p.Asp1493Asn (NM_015284.4); short protein forms D1493N, D1550N.
Identifiers: ClinVar variation 3364835 (VCV003364835.1).
Genomic context (GRCh38, chr1:43,430,663, plus strand): 5'-TCGCTGTCAGACGTAGACACTGTGAATCCTGATGAAGACTCCTTCAGTATCTTGGGGGGC[G>A]ACTCACCCACTGGGCCTGAGAGCTTCCTTCATGACCTGCCACCGCTCTTCCTGCACCTCA-3'
Protein context (NP_001352928.1, residues 1540-1560): DEDSFSILGG[Asp1550Asn]SPTGPESFLH